The following is an entry in ClinVar:

NM_032608.7(MYO18B):c.75G>A (p.Ser25=)

Gene: MYO18B (myosin XVIIIB; plus strand). Cytogenetic location: 22q12.1.
Variant type: single nucleotide variant.
Coding change: c.75G>A on transcript NM_032608.7 (MANE Select); coding-DNA position 75, G replaced by A.
Protein change: p.Ser25=; no amino-acid change (serine 25 retained).
Molecular consequence: synonymous variant.
Genome position (GRCh38, 1-based): chr22:25,763,266, G>A. VCF-style: chr22-25763266-G-A. GRCh37 (hg19) VCF-style: chr22-26159233-G-A.
Other names: c.75G>A, p.Ser25= (NM_001318245.2); c.75G>A (NM_032608.6).
Identifiers: ClinVar variation 2201683 (VCV002201683.4), dbSNP rs780146591, ClinGen allele CA10159487.

ClinVar aggregate classification (germline): Uncertain significance. Review status: criteria provided, multiple submitters, no conflicts (2 of 4 stars). 3 submissions from 3 submitters: Uncertain significance (2). 1 of the submissions does not count toward it. Last evaluated 2024-11-15.

Conditions:
MYO18B-related disorder. Also called: MYO18B-related condition.
Klippel-Feil anomaly-myopathy-facial dysmorphism syndrome. Also called: Klippel-feil syndrome 4, autosomal recessive, with nemaline myopathy and facial dysmorphism; Klippel-Feil syndrome 4, autosomal recessive, with myopathy and facial dysmorphism. Identifiers: Orphanet 447974, MedGen C4225285, MONDO:0014689, OMIM 616549.

Allele frequency attached by ClinVar (database versions not stated): gnomAD 0.00002; TOPMed 0.00004; ExAC 0.00005.
gnomAD v4.1: 105 of 1,611,000 alleles (0.0065%); highest among the groups gnomAD compares: South Asian, 0.029%; no homozygotes.

Submissions (3):

Revvity Omics, Revvity
Classification: Uncertain significance for Klippel-Feil anomaly-myopathy-facial dysmorphism syndrome. Last evaluated: 2024-11-15. Review status: criteria provided, single submitter. Criteria: ACMG Guidelines, 2015. Collection method: clinical testing. Allele origin: germline.

Labcorp Genetics (formerly Invitae), Labcorp
Classification: Uncertain significance. Last evaluated: 2022-04-16. Review status: criteria provided, single submitter. Criteria: Invitae Variant Classification Sherloc (09022015). Collection method: clinical testing. Allele origin: germline.
Comment: This sequence change affects codon 25 of the MYO18B mRNA. It is a 'silent' change, meaning that it does not change the encoded amino acid sequence of the MYO18B protein. This variant is present in population databases (rs780146591, gnomAD 0.03%). This variant has not been reported in the literature in individuals affected with MYO18B-related conditions. Algorithms developed to predict the effect of sequence changes on RNA splicing suggest that this variant may disrupt the consensus splice site. In summary, the available evidence is currently insufficient to determine the role of this variant in disease. Therefore, it has been classified as a Variant of Uncertain Significance.

PreventionGenetics, part of Exact Sciences
Classification: Likely benign for MYO18B-related condition. Last evaluated: 2023-11-16. Review status: no assertion criteria provided. Collection method: clinical testing. Allele origin: germline. Not counted in ClinVar's aggregate classification.
Comment: This variant is classified as likely benign based on ACMG/AMP sequence variant interpretation guidelines (Richards et al. 2015 PMID: 25741868, with internal and published modifications).